The following is an entry in ClinVar:

NM_000748.3(CHRNB2):c.923T>C (p.Val308Ala)

Gene: CHRNB2 (cholinergic receptor nicotinic beta 2 subunit; plus strand). Cytogenetic location: 1q21.3.
Variant type: single nucleotide variant.
Coding change: c.923T>C on transcript NM_000748.3 (MANE Select); coding-DNA position 923, T replaced by C.
Protein change: p.Val308Ala; replaces valine 308 with alanine.
Molecular consequence: missense variant.
Genome position (GRCh38, 1-based): chr1:154,571,746, T>C. VCF-style: chr1-154571746-T-C. GRCh37 (hg19) VCF-style: chr1-154544222-T-C.
Other names: short protein forms V308A.
Identifiers: ClinVar variation 41035 (VCV000041035.16), dbSNP rs281865070, ClinGen allele CA343932.
Genomic context (GRCh38, chr1:154,571,746, plus strand): 5'-CTCCCACCTCCCTCGACGTGCCGCTCGTCGGCAAGTACCTCATGTTCACCATGGTGCTTG[T>C]CACCTTCTCCATCGTCACCAGCGTGTGCGTGCTCAACGTGCACCACCGCTCGCCCACCAC-3'
Protein context (NP_000739.1, residues 298-318): GKYLMFTMVL[Val308Ala]TFSIVTSVCV

ClinVar aggregate classification (germline): Pathogenic/Likely pathogenic. Review status: criteria provided, multiple submitters, no conflicts (2 of 4 stars). 3 submissions from 3 submitters: Pathogenic (1); Likely pathogenic (2). Last evaluated 2025-05-30.

Conditions:
Familial sleep-related hypermotor epilepsy. Also called: Autosomal Dominant Sleep-Related Hypermotor (Hyperkinetic) Epilepsy. Identifiers: Orphanet 98784, MedGen C3696898, MONDO:0000030.
Autosomal dominant nocturnal frontal lobe epilepsy 3. Also called: CHRNB2-Related Nocturnal Frontal Lobe Epilepsy, Autosomal Dominant. Identifiers: Orphanet 98784, MedGen C1854335, MONDO:0011545, OMIM 605375.

Allele frequency attached by ClinVar (database versions not stated): gnomAD exomes below 0.00001.
gnomAD v4.1: 4 of 1,614,220 alleles (0.00025%); highest among the groups gnomAD compares: Non-Finnish European, 0.00034%; no homozygotes.

Submissions (3):

GeneDx
Classification: Likely pathogenic. Last evaluated: 2025-05-30. Review status: criteria provided, single submitter. Criteria: GeneDx Variant Classification Process June 2021. Collection method: clinical testing. Allele origin: germline. Affected: yes.
Comment: Published functional studies demonstrate a damaging effect: V308A increases the sensitivity to acetylcholine and has a gain of function effect (PMID: 18456869); Not observed at significant frequency in large population cohorts (gnomAD); In silico analysis supports that this missense variant has a deleterious effect on protein structure/function; This variant is associated with the following publications: (PMID: 12942156, 26072248, 24395520, 22036597, 28102150, 28717674, 28488083, 26309560, 33284031, 19383498, 26147798, 32347641, 20301348, 25969754, 25717303, 33924731, 31324802, 38966089, 18456869)

Labcorp Genetics (formerly Invitae), Labcorp
Classification: Pathogenic. Last evaluated: 2023-12-08. Review status: criteria provided, single submitter. Criteria: Invitae Variant Classification Sherloc (09022015). Collection method: clinical testing. Allele origin: germline.
Comment: This sequence change replaces valine, which is neutral and non-polar, with alanine, which is neutral and non-polar, at codon 308 of the CHRNB2 protein (p.Val308Ala). This variant is not present in population databases (gnomAD no frequency). This missense change has been observed in individuals with clinical features of nocturnal frontal lobe epilepsy (PMID: 18456869). It has also been observed to segregate with disease in related individuals. ClinVar contains an entry for this variant (Variation ID: 41035). Advanced modeling of protein sequence and biophysical properties (such as structural, functional, and spatial information, amino acid conservation, physicochemical variation, residue mobility, and thermodynamic stability) performed at Invitae indicates that this missense variant is not expected to disrupt CHRNB2 protein function with a negative predictive value of 80%. Experimental studies have shown that this missense change affects CHRNB2 function (PMID: 18456869). For these reasons, this variant has been classified as Pathogenic.

Solve-RD Consortium
Classification: Likely pathogenic for Autosomal dominant nocturnal frontal lobe epilepsy 3. Review status: criteria provided, single submitter. Criteria: ACMG Guidelines, 2015. Collection method: provider interpretation. Allele origin: germline. Inheritance: Autosomal dominant inheritance. Affected: yes. Study: Solve-RD DIFT-EpiCARE reanalysis.
Comment: PS4, PS3, PP3, PM2

Variant identified during reanalysis of unsolved cases by the Solve-RD project. The Solve-RD project has received funding from the European Union’s Horizon 2020 research and innovation programme under grant agreement No 779257.

Literature cited by the submitters: PubMed 18456869 (cited by Labcorp Genetics (formerly Invitae), Labcorp).